The following is an entry in ClinVar:

NM_001277115.2(DNAH11):c.4817+6A>T

Gene: DNAH11 (dynein axonemal heavy chain 11; plus strand). Cytogenetic location: 7p15.3.
Variant type: single nucleotide variant.
Coding change: c.4817+6A>T on transcript NM_001277115.2 (MANE Select); 6 bases into the intron after coding-DNA position 4817, A replaced by T.
Molecular consequence: intron variant.
Genome position (GRCh38, 1-based): chr7:21,637,708, A>T. VCF-style: chr7-21637708-A-T. GRCh37 (hg19) VCF-style: chr7-21677326-A-T.
Identifiers: ClinVar variation 1477697 (VCV001477697.3), dbSNP rs1006884453, ClinGen allele CA2573142043.

ClinVar aggregate classification (germline): Uncertain significance (1 of 4 stars; one submission).

Conditions:
Primary ciliary dyskinesia. Also called: Ciliary dyskinesia. Identifiers: Orphanet 244, MedGen C0008780, MONDO:0016575, HP:0012265.

gnomAD v4.1: 1 of 1,512,630 alleles (0.000066%); highest among the groups gnomAD compares: Non-Finnish European, 0.000089%; no homozygotes.

Submission:

Labcorp Genetics (formerly Invitae), Labcorp
Classification: Uncertain significance for Primary ciliary dyskinesia. Last evaluated: 2021-11-18. Review status: criteria provided, single submitter. Criteria: Invitae Variant Classification Sherloc (09022015). Collection method: clinical testing. Allele origin: germline.
Comment: This sequence change falls in intron 27 of the DNAH11 gene. It does not directly change the encoded amino acid sequence of the DNAH11 protein. It affects a nucleotide within the consensus splice site. This variant is not present in population databases (gnomAD no frequency). This variant has not been reported in the literature in individuals affected with DNAH11-related conditions. Variants that disrupt the consensus splice site are a relatively common cause of aberrant splicing (PMID: 17576681, 9536098). Algorithms developed to predict the effect of sequence changes on RNA splicing suggest that this variant is not likely to affect RNA splicing. In summary, the available evidence is currently insufficient to determine the role of this variant in disease. Therefore, it has been classified as a Variant of Uncertain Significance.

Literature cited by the submitters: PubMed 17576681; PubMed 9536098.